The following is an entry in ClinVar:

NM_032043.3(BRIP1):c.1196_1197del (p.Glu399fs)

Gene: BRIP1 (BRCA1 interacting DNA helicase 1; minus strand). Cytogenetic location: 17q23.2.
Variant type: Deletion.
Coding change: c.1196_1197del on transcript NM_032043.3 (MANE Select); coding-DNA positions 1196 to 1197, 2 bases deleted (AG; older notation c.1196_1197delAG).
Protein change: p.Glu399fs; shifts the reading frame from glutamic acid 399.
Molecular consequence: frameshift variant.
Genome position (GRCh38, 1-based): chr17:61,799,243-61,799,244, CT deleted on the plus strand (AG on the coding strand, the reverse complement: BRIP1 is on the minus strand); deleting any 2 consecutive bases within chr17:61,799,243-61,799,245 gives the same sequence; the c. name uses the placement nearest the transcript's 3' end. VCF-style (leftmost placement, unchanged base first): chr17-61799242-CCT-C. GRCh37 (hg19) VCF-style: chr17-59876603-CCT-C.
Other names: short protein forms E399fs.
Identifiers: ClinVar variation 851155 (VCV000851155.8), dbSNP rs2077951770, ClinGen allele CA916081914.

ClinVar aggregate classification (germline): Pathogenic (1 of 4 stars; one submission).

Conditions:
Familial cancer of breast. Also called: hereditary breast carcinoma; BREAST CANCER, FAMILIAL; Hereditary breast cancer. Identifiers: Orphanet 227535, MedGen C0346153, MONDO:0016419, OMIM 114480. Disease mechanism: loss of function.
Fanconi anemia complementation group J. Also called: BRIP1-Related Fanconi Anemia. Identifiers: Orphanet 84, MedGen C1836860, MONDO:0012187, OMIM 609054.

Submission:

Labcorp Genetics (formerly Invitae), Labcorp
Classification: Pathogenic for Familial cancer of breast; Fanconi anemia complementation group J. Last evaluated: 2019-05-20. Review status: criteria provided, single submitter. Criteria: Invitae Variant Classification Sherloc (09022015). Collection method: clinical testing. Allele origin: germline.
Comment: This sequence change creates a premature translational stop signal (p.Glu399Glyfs*22) in the BRIP1 gene. It is expected to result in an absent or disrupted protein product. This variant is not present in population databases (ExAC no frequency). This variant has not been reported in the literature in individuals with BRIP1-related conditions. Loss-of-function variants in BRIP1 are known to be pathogenic (PMID: 16116423, 17033622, 21964575). For these reasons, this variant has been classified as Pathogenic.

Literature cited by the submitters: PubMed 16116423; PubMed 17033622; PubMed 21964575.